The following is an entry in ClinVar:

ClinVar aggregate classification (germline): Uncertain significance (1 of 4 stars; one submission).

Conditions:
KBG syndrome (KBGS). Also called: ANKRD11-Related KBG Syndrome. Identifiers: Orphanet 2332, MedGen C0220687, MONDO:0007846, OMIM 148050.

Submission:

Labcorp Genetics (formerly Invitae), Labcorp
Classification: Uncertain significance for KBG syndrome. Last evaluated: 2023-05-01. Review status: criteria provided, single submitter. Criteria: Invitae Variant Classification Sherloc (09022015). Collection method: clinical testing. Allele origin: germline.
Comment: This sequence change replaces alanine, which is neutral and non-polar, with valine, which is neutral and non-polar, at codon 2615 of the ANKRD11 protein (p.Ala2615Val). This variant is not present in population databases (gnomAD no frequency). This variant has not been reported in the literature in individuals affected with ANKRD11-related conditions. Advanced modeling of protein sequence and biophysical properties (such as structural, functional, and spatial information, amino acid conservation, physicochemical variation, residue mobility, and thermodynamic stability) performed at Invitae indicates that this missense variant is expected to disrupt ANKRD11 protein function. In summary, the available evidence is currently insufficient to determine the role of this variant in disease. Therefore, it has been classified as a Variant of Uncertain Significance.

NM_013275.6(ANKRD11):c.7844C>T (p.Ala2615Val)

Gene: ANKRD11 (ankyrin repeat domain 11; minus strand). Cytogenetic location: 16q24.3.
Variant type: single nucleotide variant.
Coding change: c.7844C>T on transcript NM_013275.6 (MANE Select); coding-DNA position 7844, C replaced by T.
Protein change: p.Ala2615Val; replaces alanine 2615 with valine.
Molecular consequence: missense variant.
Genome position (GRCh38, 1-based): chr16:89,268,626, G>A on the plus strand (C>T on the coding strand, the complement: ANKRD11 is on the minus strand). VCF-style: chr16-89268626-G-A. GRCh37 (hg19) VCF-style: chr16-89335034-G-A.
Other names: c.7844C>T, p.Ala2615Val (NM_001256182.2, NM_001256183.2); short protein forms A2615V.
Identifiers: ClinVar variation 2861240 (VCV002861240.3), dbSNP rs2544117030, ClinGen allele CA397145271.